The following is an entry in ClinVar:

NM_020738.4(KIDINS220):c.762T>C (p.Asp254=)

Gene: KIDINS220 (kinase D interacting substrate 220; minus strand). Cytogenetic location: 2p25.1.
Variant type: single nucleotide variant.
Coding change: c.762T>C on transcript NM_020738.4 (MANE Select); coding-DNA position 762, T replaced by C.
Protein change: p.Asp254=; no amino-acid change (aspartic acid 254 retained).
Molecular consequence: synonymous variant. On other transcripts: non-coding transcript variant (2).
Genome position (GRCh38, 1-based): chr2:8,802,969, A>G on the plus strand (T>C on the coding strand, the complement: KIDINS220 is on the minus strand). VCF-style: chr2-8802969-A-G. GRCh37 (hg19) VCF-style: chr2-8943099-A-G.
Other names: c.765T>C, p.Asp255= (NM_001348729.2, NM_001348731.2, NM_001348734.2 and 3 more transcripts); c.762T>C, p.Asp254= (NM_001348732.2, NM_001348735.2, NM_001348738.2 and 3 more transcripts); c.636T>C, p.Asp212= (NM_001348736.2); c.762T>C (NM_020738.2).
Identifiers: ClinVar variation 2960017 (VCV002960017.4), dbSNP rs374871442, ClinGen allele CA1520359.

ClinVar aggregate classification (germline): Likely benign. Review status: criteria provided, single submitter (1 of 4 stars). 2 submissions from 2 submitters: Likely benign (1). 1 of the submissions does not count toward it. Last evaluated 2025-07-30.

Conditions:
KIDINS220-related disorder. Also called: KIDINS220-related condition.

Allele frequency attached by ClinVar (database versions not stated): ESP Exome Variant Server 0.00008; gnomAD exomes 0.00001; TOPMed 0.00003.
gnomAD v4.1: 21 of 1,613,872 alleles (0.0013%); highest among the groups gnomAD compares: Non-Finnish European, 0.0018%; no homozygotes.

Submissions (2):

Labcorp Genetics (formerly Invitae), Labcorp
Classification: Likely benign. Last evaluated: 2025-07-30. Review status: criteria provided, single submitter. Criteria: Invitae Variant Classification Sherloc (09022015). Collection method: clinical testing. Allele origin: germline.

PreventionGenetics, part of Exact Sciences
Classification: Likely benign for KIDINS220-related condition. Last evaluated: 2023-06-06. Review status: no assertion criteria provided. Collection method: clinical testing. Allele origin: germline. Not counted in ClinVar's aggregate classification.
Comment: This variant is classified as likely benign based on ACMG/AMP sequence variant interpretation guidelines (Richards et al. 2015 PMID: 25741868, with internal and published modifications).